The following is an entry in ClinVar:

NM_023110.3(FGFR1):c.-358C>T

Gene: FGFR1 (fibroblast growth factor receptor 1; minus strand). Cytogenetic location: 8p11.23.
Variant type: single nucleotide variant.
Coding change: c.-358C>T on transcript NM_023110.3 (MANE Select); 358 bases upstream of the start codon, C replaced by T.
Molecular consequence: 5 prime UTR variant.
Genome position (GRCh38, 1-based): chr8:38,468,250, G>A on the plus strand (C>T on the coding strand, the complement: FGFR1 is on the minus strand). VCF-style: chr8-38468250-G-A. GRCh37 (hg19) VCF-style: chr8-38325768-G-A.
Other names: c.-358C>T (NM_001174063.2, NM_001354367.2, NM_001354368.2 and 4 more transcripts); c.-450C>T (NM_001174064.2).
Identifiers: ClinVar variation 362916 (VCV000362916.6), dbSNP rs17175673, ClinGen allele CA10630987.

ClinVar aggregate classification (germline): Benign/Likely benign. Review status: criteria provided, multiple submitters, no conflicts (2 of 4 stars). 5 submissions from 2 submitters: Benign (4); Likely benign (1). Last evaluated 2021-05-18.

Conditions:
Trigonocephaly 1 (TRIGNO1). Identifiers: Orphanet 3366, MedGen C0432122, MONDO:0008603, OMIM 190440.
Craniosynostosis syndrome. Also called: Craniosynostosis. Identifiers: Orphanet 1531, MedGen C0010278, MeSH D003398, MONDO:0015469, HP:0001363.
Hypogonadotropic hypogonadism 2 with or without anosmia (HH2). Also called: HYPOGONADOTROPIC HYPOGONADISM 2 WITH OR WITHOUT ANOSMIA, SUSCEPTIBILITY TO; HYPOGONADOTROPIC HYPOGONADISM 2 WITHOUT ANOSMIA, SUSCEPTIBILITY TO; FGFR1-Related GnRH Deficiency (Kallmann Syndrome 2); HYPOGONADOTROPIC HYPOGONADISM 2 WITHOUT ANOSMIA. Identifiers: Orphanet 478, MedGen C1563720, MONDO:0007844, OMIM 147950. Disease mechanism: loss of function.
Osteoglophonic dysplasia (OGD). Also called: Osteoglophonic dwarfism. Identifiers: Orphanet 2645, MedGen C0432283, MONDO:0008150, OMIM 166250.

Allele frequency attached by ClinVar (database versions not stated): 1000 Genomes Project 30x 0.00390; 1000 Genomes Project 0.00419; gnomAD 0.00633 and 0.00647; TOPMed 0.00661.
gnomAD v4.1: 1,549 of 228,664 alleles (0.68%); highest among the groups gnomAD compares: Non-Finnish European, 0.94%; 6 homozygotes.

Submissions (5):

GeneDx
Classification: Likely benign. Last evaluated: 2021-05-18. Review status: criteria provided, single submitter. Criteria: GeneDx Variant Classification Process June 2021. Collection method: clinical testing. Allele origin: germline. Affected: yes.

Illumina Laboratory Services, Illumina
Classification: Benign for Trigonocephaly 1. Last evaluated: 2018-01-13. Review status: criteria provided, single submitter. Criteria: ICSL Variant Classification Criteria 13 December 2019. Collection method: clinical testing. Allele origin: germline.
Comment: This variant was observed in the ICSL laboratory as part of a predisposition screen in an ostensibly healthy population. It had not been previously curated by ICSL or reported in the Human Gene Mutation Database (HGMD: prior to June 1st, 2018), and was therefore a candidate for classification through an automated scoring system. Utilizing variant allele frequency, disease prevalence and penetrance estimates, and inheritance mode, an automated score was calculated to assess if this variant is too frequent to cause the disease. Based on the score and internal cut-off values, a variant classified as benign is not then subjected to further curation. The score for this variant resulted in a classification of benign for this disease.

Illumina Laboratory Services, Illumina
Classification: Benign for Osteoglophonic dysplasia. Last evaluated: 2018-01-13. Review status: criteria provided, single submitter. Criteria: ICSL Variant Classification Criteria 13 December 2019. Collection method: clinical testing. Allele origin: germline.
Comment: the same text as in the submission from Illumina Laboratory Services, Illumina above.

Illumina Laboratory Services, Illumina
Classification: Benign for Craniosynostosis. Last evaluated: 2018-01-13. Review status: criteria provided, single submitter. Criteria: ICSL Variant Classification Criteria 13 December 2019. Collection method: clinical testing. Allele origin: germline.
Comment: the same text as in the submission from Illumina Laboratory Services, Illumina above.

Illumina Laboratory Services, Illumina
Classification: Benign for Hypogonadotropic hypogonadism 2 with or without anosmia. Last evaluated: 2018-01-13. Review status: criteria provided, single submitter. Criteria: ICSL Variant Classification Criteria 13 December 2019. Collection method: clinical testing. Allele origin: germline.
Comment: the same text as in the submission from Illumina Laboratory Services, Illumina above.